The following is an entry in ClinVar:

ClinVar aggregate classification (germline): Uncertain significance (1 of 4 stars; one submission).

gnomAD v4.1: 41 of 1,611,968 alleles (0.0025%); highest among the groups gnomAD compares: Middle Eastern, 0.099%; no homozygotes.

Submission:

Labcorp Genetics (formerly Invitae), Labcorp
Classification: Uncertain significance. Last evaluated: 2025-03-11. Review status: criteria provided, single submitter. Criteria: Invitae Variant Classification Sherloc (09022015). Collection method: clinical testing. Allele origin: germline.
Comment: This sequence change replaces alanine, which is neutral and non-polar, with threonine, which is neutral and polar, at codon 467 of the GABRA2 protein (p.Ala467Thr). This variant is present in population databases (rs519972, gnomAD 0.01%). This variant has not been reported in the literature in individuals affected with GABRA2-related conditions. Experimental studies and prediction algorithms are not available or were not evaluated, and the functional significance of this variant is currently unknown. In summary, the available evidence is currently insufficient to determine the role of this variant in disease. Therefore, it has been classified as a Variant of Uncertain Significance.

NM_000807.4(GABRA2):c.1219G>A (p.Ala407Thr)

Gene: GABRA2 (gamma-aminobutyric acid type A receptor subunit alpha2; minus strand). Cytogenetic location: 4p12.
Variant type: single nucleotide variant.
Coding change: c.1219G>A on transcript NM_000807.4 (MANE Select); coding-DNA position 1219, G replaced by A.
Protein change: p.Ala407Thr; replaces alanine 407 with threonine.
Molecular consequence: missense variant.
Genome position (GRCh38, 1-based): chr4:46,250,445, C>T on the plus strand (G>A on the coding strand, the complement: GABRA2 is on the minus strand). VCF-style: chr4-46250445-C-T. GRCh37 (hg19) VCF-style: chr4-46252462-C-T.
Other names: c.1219G>A, p.Ala407Thr (NM_001114175.3, NM_001377146.1, NM_001377147.1 and 4 more transcripts); c.1234G>A, p.Ala412Thr (NM_001286827.3); c.1399G>A, p.Ala467Thr (NM_001330690.2, NM_001377144.1, NM_001377145.1); c.1054G>A, p.Ala352Thr (NM_001377152.1, NM_001377153.1, NM_001377154.1); short protein forms A352T, A407T, A412T, A467T.
Identifiers: ClinVar variation 4810733 (VCV004810733.1).